The following is an entry in ClinVar:

ClinVar aggregate classification (germline): Benign/Likely benign. Review status: criteria provided, multiple submitters, no conflicts (2 of 4 stars). 3 submissions from 3 submitters: Benign (1); Likely benign (2). Last evaluated 2025-09-07.

Allele frequency attached by ClinVar (database versions not stated): gnomAD 0.00013; ESP Exome Variant Server 0.00019; 1000 Genomes Project 0.00026; 1000 Genomes Project 30x 0.00042; gnomAD exomes 0.00010; ExAC 0.00011.
gnomAD v4.1: 120 of 1,207,736 alleles (0.0099%); highest among the groups gnomAD compares: Middle Eastern, 0.069%; no homozygotes.

Submissions (3):

Labcorp Genetics (formerly Invitae), Labcorp
Classification: Benign. Last evaluated: 2025-09-07. Review status: criteria provided, single submitter. Criteria: Invitae Variant Classification Sherloc (09022015). Collection method: clinical testing. Allele origin: germline.

CeGaT Center for Human Genetics Tuebingen
Classification: Likely benign. Last evaluated: 2024-01-01. Review status: criteria provided, single submitter. Criteria: CeGaT Center For Human Genetics Tuebingen Variant Classification Criteria Version 2. Collection method: clinical testing. Allele origin: germline. Affected: yes. Observed: 2 variant alleles.
Comment: HUWE1: BP4, BS2

GeneDx
Classification: Likely benign. Last evaluated: 2021-01-18. Review status: criteria provided, single submitter. Criteria: GeneDx Variant Classification Process June 2021. Collection method: clinical testing. Allele origin: germline. Affected: yes.

NM_031407.7(HUWE1):c.9015G>A (p.Ala3005=)

Gene: HUWE1 (HECT, UBA and WWE domain containing E3 ubiquitin protein ligase 1; minus strand). Cytogenetic location: Xp11.22.
Variant type: single nucleotide variant.
Coding change: c.9015G>A on transcript NM_031407.7 (MANE Select); coding-DNA position 9015, G replaced by A.
Protein change: p.Ala3005=; no amino-acid change (alanine 3005 retained).
Molecular consequence: synonymous variant.
Genome position (GRCh38, 1-based): chrX:53,551,347, C>T on the plus strand (G>A on the coding strand, the complement: HUWE1 is on the minus strand). VCF-style: chrX-53551347-C-T. GRCh37 (hg19) VCF-style: chrX-53578308-C-T.
Identifiers: ClinVar variation 1194092 (VCV001194092.31), dbSNP rs145503240, ClinGen allele CA10421720.